The following is an entry in ClinVar:

NM_198407.2(GHSR):c.974T>A (p.Ile325Asn)

Gene: GHSR (growth hormone secretagogue receptor; minus strand). Cytogenetic location: 3q26.31.
Variant type: single nucleotide variant.
Coding change: c.974T>A on transcript NM_198407.2 (MANE Select); coding-DNA position 974, T replaced by A.
Protein change: p.Ile325Asn; replaces isoleucine 325 with asparagine.
Molecular consequence: missense variant.
Genome position (GRCh38, 1-based): chr3:172,445,288, A>T on the plus strand (T>A on the coding strand, the complement: GHSR is on the minus strand). VCF-style: chr3-172445288-A-T. GRCh37 (hg19) VCF-style: chr3-172163078-A-T.
Other names: short protein forms I325N.
Identifiers: ClinVar variation 3012759 (VCV003012759.3), dbSNP rs149249522, ClinGen allele CA87781966.
Genomic context (GRCh38, chr3:172,445,288, plus strand): 5'-TGGGAGAAGGGTTCGAATCCCAGAAGTCTGAACACTGCCACCCGGTACTTCTTGGACATG[A>T]TGTTGTACAGAATGGGGTTGATGGCAGCACTGAGGTAGAAGAGGACAAAGGACACGAGGT-3'
Protein context (NP_940799.1, residues 315-335): SAAINPILYN[Ile325Asn]MSKKYRVAVF

ClinVar aggregate classification (germline): Uncertain significance (1 of 4 stars; one submission).

Allele frequency attached by ClinVar (database versions not stated): gnomAD exomes 0.00001; gnomAD 0.00002; TOPMed 0.00002; ESP Exome Variant Server 0.00015.
gnomAD v4.1: 20 of 1,614,016 alleles (0.0012%); highest among the groups gnomAD compares: Non-Finnish European, 0.0016%; no homozygotes.

Submission:

Labcorp Genetics (formerly Invitae), Labcorp
Classification: Uncertain significance. Last evaluated: 2023-05-05. Review status: criteria provided, single submitter. Criteria: Invitae Variant Classification Sherloc (09022015). Collection method: clinical testing. Allele origin: germline.
Comment: This sequence change replaces isoleucine, which is neutral and non-polar, with asparagine, which is neutral and polar, at codon 325 of the GHSR protein (p.Ile325Asn). In summary, the available evidence is currently insufficient to determine the role of this variant in disease. Therefore, it has been classified as a Variant of Uncertain Significance. Advanced modeling of protein sequence and biophysical properties (such as structural, functional, and spatial information, amino acid conservation, physicochemical variation, residue mobility, and thermodynamic stability) performed at Invitae indicates that this missense variant is expected to disrupt GHSR protein function. This variant has not been reported in the literature in individuals affected with GHSR-related conditions. This variant is present in population databases (rs149249522, gnomAD 0.0009%).